The following is an entry in ClinVar:

NM_030665.4(RAI1):c.3431T>C (p.Met1144Thr)

Gene: RAI1 (retinoic acid induced 1; plus strand). Cytogenetic location: 17p11.2.
Variant type: single nucleotide variant.
Coding change: c.3431T>C on transcript NM_030665.4 (MANE Select); coding-DNA position 3431, T replaced by C.
Protein change: p.Met1144Thr; replaces methionine 1144 with threonine.
Molecular consequence: missense variant.
Genome position (GRCh38, 1-based): chr17:17,796,379, T>C. VCF-style: chr17-17796379-T-C. GRCh37 (hg19) VCF-style: chr17-17699693-T-C.
Other names: short protein forms M1144T.
Identifiers: ClinVar variation 4999149 (VCV004999149.1).

ClinVar aggregate classification (germline): Uncertain significance (1 of 4 stars; one submission).

Conditions:
RAI1-related disorder. Also called: RAI1-related condition.

Submission:

PreventionGenetics, part of Exact Sciences
Classification: Uncertain significance for RAI1-related condition. Last evaluated: 2024-10-28. Review status: criteria provided, single submitter. Criteria: ACMG Guidelines, 2015. Collection method: clinical testing. Allele origin: germline.
Comment: The RAI1 c.3431T>C variant is predicted to result in the amino acid substitution p.Met1144Thr. To our knowledge, this variant has not been reported in the literature or in a large population database (gnomAD), indicating this variant is rare. At this time, the clinical significance of this variant is uncertain due to the absence of conclusive functional and genetic evidence.